The following is an entry in ClinVar:

ClinVar aggregate classification (germline): Likely benign (1 of 4 stars; one submission).

Allele frequency attached by ClinVar (database versions not stated): gnomAD 0.00003; TOPMed 0.00001.
gnomAD v4.1: 1 of 1,600,870 alleles (0.000062%); highest among the groups gnomAD compares: African/African-American, 0.0013%; no homozygotes.

Submission:

GeneDx
Classification: Likely benign. Last evaluated: 2016-11-08. Review status: criteria provided, single submitter. Criteria: GeneDx Variant Classification (06012015). Collection method: clinical testing. Allele origin: germline. Affected: yes.
Comment: This variant is considered likely benign or benign based on one or more of the following criteria: it is a conservative change, it occurs at a poorly conserved position in the protein, it is predicted to be benign by multiple in silico algorithms, and/or has population frequency not consistent with disease.

NM_005216.5(DDOST):c.*17C>T

Gene: DDOST (dolichyl-diphosphooligosaccharide--protein glycosyltransferase non-catalytic subunit; minus strand). Cytogenetic location: 1p36.12.
Variant type: single nucleotide variant.
Coding change: c.*17C>T on transcript NM_005216.5 (MANE Select); 17 bases downstream of the stop codon, C replaced by T.
Molecular consequence: 3 prime UTR variant.
Genome position (GRCh38, 1-based): chr1:20,652,362, G>A on the plus strand (C>T on the coding strand, the complement: DDOST is on the minus strand). VCF-style: chr1-20652362-G-A. GRCh37 (hg19) VCF-style: chr1-20978855-G-A.
Identifiers: ClinVar variation 390276 (VCV000390276.1), dbSNP rs1057523708, ClinGen allele CA16603519.